The following is an entry in ClinVar:

NM_001382.4(DPAGT1):c.994T>G (p.Phe332Val)

Gene: DPAGT1 (dolichyl-phosphate N-acetylglucosaminephosphotransferase 1; minus strand). Cytogenetic location: 11q23.3.
Variant type: single nucleotide variant.
Coding change: c.994T>G on transcript NM_001382.4 (MANE Select); coding-DNA position 994, T replaced by G.
Protein change: p.Phe332Val; replaces phenylalanine 332 with valine.
Molecular consequence: missense variant.
Genome position (GRCh38, 1-based): chr11:119,097,475, A>C on the plus strand (T>G on the coding strand, the complement: DPAGT1 is on the minus strand). VCF-style: chr11-119097475-A-C. GRCh37 (hg19) VCF-style: chr11-118968185-A-C.
Other names: short protein forms F332V.
Identifiers: ClinVar variation 167007 (VCV000167007.51), dbSNP rs138544311, ClinGen allele CA233914.

ClinVar aggregate classification (germline): Conflicting classifications of pathogenicity. Review status: criteria provided, conflicting classifications (1 of 4 stars). 10 submissions from 10 submitters: Uncertain significance (6); Likely benign (3). 1 of the submissions does not count toward it. Last evaluated 2026-01-24.

Conditions:
DPAGT1-related disorder. Also called: DPAGT1-related condition.
Congenital myasthenic syndrome 13 (CMS13). Also called: Myasthenic syndrome, congenital, with tubular aggregates 2; Myasthenic syndrome, congenital, 13, with tubular aggregates. Identifiers: Orphanet 353327, Orphanet 590, MedGen C3553645, MONDO:0013883, OMIM 614750.
DPAGT1-congenital disorder of glycosylation. Also called: CDG Ij; CONGENITAL DISORDER OF GLYCOSYLATION, TYPE Ij; DPAGT1-CDG. Identifiers: Orphanet 86309, MedGen C2931004, MONDO:0011964, OMIM 608093.

Allele frequency attached by ClinVar (database versions not stated): 1000 Genomes Project 30x 0.00047; ESP Exome Variant Server 0.00162; TOPMed 0.00175; ExAC 0.00109; gnomAD 0.00167 and 0.00172; gnomAD exomes 0.00120 and 0.00199; 1000 Genomes Project 0.00060.
gnomAD v4.1: 3,133 of 1,614,186 alleles (0.19%); highest among the groups gnomAD compares: Admixed American, 0.25%; 2 homozygotes.

Submissions (10):

Labcorp Genetics (formerly Invitae), Labcorp
Classification: Likely benign for Congenital myasthenic syndrome 13; DPAGT1-congenital disorder of glycosylation. Last evaluated: 2026-01-24. Review status: criteria provided, single submitter. Criteria: Invitae Variant Classification Sherloc (09022015). Collection method: clinical testing. Allele origin: germline.

CeGaT Center for Human Genetics Tuebingen
Classification: Likely benign. Last evaluated: 2025-12-01. Review status: criteria provided, single submitter. Criteria: CeGaT Center For Human Genetics Tuebingen Variant Classification Criteria Version 2. Collection method: clinical testing. Allele origin: germline. Affected: yes. Observed: 2 variant alleles.
Comment: DPAGT1: BP4

Blueprint Genetics
Classification: Likely benign. Last evaluated: 2024-11-07. Review status: criteria provided, single submitter. Criteria: ACMG Guidelines, 2015. Collection method: clinical testing. Allele origin: germline.

Revvity Omics, Revvity
Classification: Uncertain significance. Last evaluated: 2024-04-16. Review status: criteria provided, single submitter. Criteria: ACMG Guidelines, 2015. Collection method: clinical testing. Allele origin: germline.

GeneDx
Classification: Uncertain significance. Last evaluated: 2023-08-08. Review status: criteria provided, single submitter. Criteria: GeneDx Variant Classification Process June 2021. Collection method: clinical testing. Allele origin: germline. Affected: yes.
Comment: Reported in an individual referred for testing for congenital disorders of glycosylation in published literature; however, additional information on clinical presentation, segregation, and co-occurrence with other variants was not provided (Jones et al., 2013); In silico analysis supports that this missense variant does not alter protein structure/function; This variant is associated with the following publications: (PMID: 23806237, 31824661, 36094697)

Department of Pathology and Laboratory Medicine, Sinai Health System
Classification: Uncertain significance for DPAGT1-congenital disorder of glycosylation. Last evaluated: 2021-07-30. Review status: criteria provided, single submitter. Criteria: ACMG Guidelines, 2015. Collection method: research. Allele origin: germline.

Mayo Clinic Laboratories, Mayo Clinic
Classification: Uncertain significance. Last evaluated: 2021-02-22. Review status: criteria provided, single submitter. Criteria: ACMG Guidelines, 2015. Collection method: clinical testing. Allele origin: germline. Observed: 1 variant allele.

Illumina Laboratory Services, Illumina
Classification: Uncertain significance for DPAGT1-congenital disorder of glycosylation. Last evaluated: 2018-01-13. Review status: criteria provided, single submitter. Criteria: ICSL Variant Classification Criteria 13 December 2019. Collection method: clinical testing. Allele origin: germline.

Eurofins Ntd Llc (ga)
Classification: Uncertain significance. Last evaluated: 2014-04-07. Review status: criteria provided, single submitter. Criteria: EGL Classification Definitions 2015. Collection method: clinical testing. Allele origin: germline. Observed: 1 variant allele, 1 heterozygote.

PreventionGenetics, part of Exact Sciences
Classification: Likely benign for DPAGT1-related condition. Last evaluated: 2023-09-05. Review status: no assertion criteria provided. Collection method: clinical testing. Allele origin: germline. Not counted in ClinVar's aggregate classification.
Comment: This variant is classified as likely benign based on ACMG/AMP sequence variant interpretation guidelines (Richards et al. 2015 PMID: 25741868, with internal and published modifications).